The following is an entry in ClinVar:

ClinVar aggregate classification (germline): Uncertain significance. Review status: reviewed by expert panel (3 of 4 stars). 2 submissions from 2 submitters: Uncertain significance (1). 1 of the submissions does not count toward it. Last evaluated 2025-01-15.

Conditions:
Hereditary thrombocytopenia and hematological cancer predisposition syndrome associated with RUNX1. Also called: Familial Platelet Disorder with Propensity to Acute Myelogenous Leukemia; Familial thrombocytopenia with propensity to acute myelogenous leukemia; PLATELET DISORDER, ASPIRIN-LIKE; RUNX1 Familial Platelet Disorder with Associated Myeloid Malignancies. Identifiers: Orphanet 71290, MedGen C1832388, MeSH C563324, MONDO:0100083, OMIM 601399.
Hereditary thrombocytopenia and hematologic cancer predisposition syndrome. Identifiers: Orphanet 71290, MedGen CN281654, MONDO:0011071.

Allele frequency attached by ClinVar (database versions not stated): TOPMed 0.00005; gnomAD 0.00006.
gnomAD v4.1: 9 of 152,142 alleles (0.0059%); highest among the groups gnomAD compares: Admixed American, 0.013%; no homozygotes.

Submissions (2):

ClinGen Myeloid Malignancy Variant Curation Expert Panel
Classification: Uncertain significance for Hereditary thrombocytopenia and hematologic cancer predisposition syndrome. Last evaluated: 2025-01-15. Review status: reviewed by expert panel. Criteria: ClinGen MyeloMalig ACMG Specifications v2. Collection method: curation. Allele origin: germline. Inheritance: Autosomal dominant inheritance.
Comment: NM_001754.5(RUNX1):c.59-53465A>T is a deep intronic variant which may impact splicing; this variant has a SpliceAI score ≥ 0.38 (PP3). In summary, the clinical significance of this variant is uncertain. ACMG/AMP criteria applied, as specified by the Myeloid Malignancy Variant Curation Expert Panel for RUNX1: PP3.

Labcorp Genetics (formerly Invitae), Labcorp
Classification: Uncertain significance for Hereditary thrombocytopenia and hematological cancer predisposition syndrome associated with RUNX1. Last evaluated: 2024-10-29. Review status: criteria provided, single submitter. Criteria: Invitae Variant Classification Sherloc (09022015). Collection method: clinical testing. Allele origin: germline. Not counted in ClinVar's aggregate classification.
Comment: This sequence change falls in intron 2 of the RUNX1 gene. It does not directly change the encoded amino acid sequence of the RUNX1 protein. This variant is present in population databases (rs770466552, gnomAD 0.01%). This variant has not been reported in the literature in individuals affected with RUNX1-related conditions. Studies have shown that this variant is associated with inconclusive levels of altered splicing (internal data). In summary, the available evidence is currently insufficient to determine the role of this variant in disease. Therefore, it has been classified as a Variant of Uncertain Significance.

NM_001754.5(RUNX1):c.59-53465A>T

Gene: RUNX1 (RUNX family transcription factor 1; minus strand). Cytogenetic location: 21q22.12.
Variant type: single nucleotide variant.
Coding change: c.59-53465A>T on transcript NM_001754.5 (MANE Select); 53465 bases into the intron before coding-DNA position 59, A replaced by T.
Molecular consequence: intron variant.
Genome position (GRCh38, 1-based): chr21:34,946,428, T>A on the plus strand (A>T on the coding strand, the complement: RUNX1 is on the minus strand). VCF-style: chr21-34946428-T-A. GRCh37 (hg19) VCF-style: chr21-36318725-T-A.
Identifiers: ClinVar variation 2697219 (VCV002697219.5), dbSNP rs770466552, ClinGen allele CA320704233.